The following is an entry in ClinVar:

ClinVar aggregate classification (germline): Uncertain significance (1 of 4 stars; one submission).

Conditions:
Rubinstein-Taybi syndrome (RSTS). Identifiers: Orphanet 783, MedGen C0035934, MONDO:0019188.

Submission:

Labcorp Genetics (formerly Invitae), Labcorp
Classification: Uncertain significance for Rubinstein-Taybi syndrome. Last evaluated: 2022-09-19. Review status: criteria provided, single submitter. Criteria: Invitae Variant Classification Sherloc (09022015). Collection method: clinical testing. Allele origin: germline.
Comment: In summary, the available evidence is currently insufficient to determine the role of this variant in disease. Therefore, it has been classified as a Variant of Uncertain Significance. Experimental studies and prediction algorithms are not available or were not evaluated, and the functional significance of this variant is currently unknown. This variant has not been reported in the literature in individuals affected with CREBBP-related conditions. This variant is a gross deletion of the genomic region encompassing exon(s) 3 of the CREBBP gene. This variant would be expected to be in-frame, preserving the integrity of the reading frame.

NC_000016.9:g.(?_3860584)_(3860800_?)del

Gene: CREBBP (CREB binding lysine acetyltransferase; minus strand). Cytogenetic location: 16p13.3.
Variant type: Deletion.
Identifiers: ClinVar variation 2425092 (VCV002425092.4).